The following is an entry in ClinVar:

ClinVar aggregate classification (germline): Benign/Likely benign. Review status: criteria provided, multiple submitters, no conflicts (2 of 4 stars). 6 submissions from 6 submitters: Benign (4); Likely benign (1). 1 of the submissions does not count toward it. Last evaluated 2026-01-28.

Conditions:
Spastic paraplegia. Identifiers: MedGen C0037772, HP:0001258.
Inborn genetic diseases. Identifiers: MedGen C0950123, MeSH D030342.
Intellectual developmental disorder, X-linked, syndromic, Claes-Jensen type. Also called: INTELLECTUAL DEVELOPMENTAL DISORDER, X-LINKED, SYNDROMIC 16; MENTAL RETARDATION, X-LINKED, SYNDROMIC 16; Syndromic X-linked intellectual disability Claes-Jensen type. Identifiers: Orphanet 85279, MedGen C1845243, MONDO:0010355, OMIM 300534.

Allele frequency attached by ClinVar (database versions not stated): gnomAD exomes 0.00083; ESP Exome Variant Server 0.00237; gnomAD 0.00266 and 0.00291; 1000 Genomes Project 30x 0.00271; TOPMed 0.00290; 1000 Genomes Project 0.00318.
gnomAD v4.1: 617 of 1,209,571 alleles (0.051%); highest among the groups gnomAD compares: African/African-American, 0.9%; 2 homozygotes.

Submissions (6):

Labcorp Genetics (formerly Invitae), Labcorp
Classification: Benign for Spastic paraplegia. Last evaluated: 2026-01-28. Review status: criteria provided, single submitter. Criteria: Invitae Variant Classification Sherloc (09022015). Collection method: clinical testing. Allele origin: germline.

Blueprint Genetics
Classification: Likely benign. Last evaluated: 2024-11-14. Review status: criteria provided, single submitter. Criteria: ACMG Guidelines, 2015. Collection method: clinical testing. Allele origin: germline.

ARUP Laboratories, Molecular Genetics and Genomics, ARUP Laboratories
Classification: Benign for Intellectual developmental disorder, X-linked, syndromic, Claes-Jensen type. Last evaluated: 2024-09-17. Review status: criteria provided, single submitter. Criteria: ARUP Molecular Germline Variant Investigation Process 2024. Collection method: clinical testing. Allele origin: germline.

GeneDx
Classification: Benign. Last evaluated: 2019-02-12. Review status: criteria provided, single submitter. Criteria: GeneDx Variant Classification Process June 2021. Collection method: clinical testing. Allele origin: germline. Affected: yes.

Ambry Genetics
Classification: Benign for Inborn genetic diseases. Last evaluated: 2016-08-16. Review status: criteria provided, single submitter. Criteria: Ambry Variant Classification Scheme 2023. Collection method: clinical testing. Allele origin: germline.

Genetic Services Laboratory, University of Chicago
Classification: Likely benign for AllHighlyPenetrant. Review status: no assertion criteria provided. Collection method: clinical testing. Allele origin: germline. Inheritance: X-linked inheritance. Not counted in ClinVar's aggregate classification.
Comment: Likely benign based on allele frequency in 1000 Genomes Project or ESP global frequency and its presence in a patient with a rare or unrelated disease phenotype. NOT Sanger confirmed.

NM_004187.5(KDM5C):c.1236C>T (p.Pro412=)

Gene: KDM5C (lysine demethylase 5C; minus strand). Cytogenetic location: Xp11.22.
Variant type: single nucleotide variant.
Coding change: c.1236C>T on transcript NM_004187.5 (MANE Select); coding-DNA position 1236, C replaced by T.
Protein change: p.Pro412=; no amino-acid change (proline 412 retained).
Molecular consequence: synonymous variant. On other transcripts: non-coding transcript variant (3).
Genome position (GRCh38, 1-based): chrX:53,211,793, G>A on the plus strand (C>T on the coding strand, the complement: KDM5C is on the minus strand). VCF-style: chrX-53211793-G-A. GRCh37 (hg19) VCF-style: chrX-53240975-G-A.
Other names: c.1035C>T, p.Pro345= (NM_001146702.2); c.1233C>T, p.Pro411= (NM_001282622.3, NM_001353979.2, NM_001353982.2); c.1236C>T, p.Pro412= (NM_001353978.3, NM_001353981.2, NM_001353984.2).
Identifiers: ClinVar variation 129373 (VCV000129373.24), dbSNP rs147546892, ClinGen allele CA153326.